The following is an entry in ClinVar:

NM_006218.4(PIK3CA):c.593T>G (p.Val198Gly)

Gene: PIK3CA (phosphatidylinositol-4,5-bisphosphate 3-kinase catalytic subunit alpha; plus strand). Cytogenetic location: 3q26.32.
Variant type: single nucleotide variant.
Coding change: c.593T>G on transcript NM_006218.4 (MANE Select); coding-DNA position 593, T replaced by G.
Protein change: p.Val198Gly; replaces valine 198 with glycine.
Molecular consequence: missense variant.
Genome position (GRCh38, 1-based): chr3:179,201,320, T>G. VCF-style: chr3-179201320-T-G. GRCh37 (hg19) VCF-style: chr3-178919108-T-G.
Other names: short protein forms V198G.
Identifiers: ClinVar variation 3306582 (VCV003306582.1).
Genomic context (GRCh38, chr3:179,201,320, plus strand): 5'-GTGATTGCATCTAATGTTTTCCTGTTATAGGGCAAATAATAGTGGTGATCTGGGTAATAG[T>G]TTCTCCAAATAATGACAAGCAGAAGTATACTCTGAAAATCAACCATGACTGTGTACCAGA-3'
Protein context (NP_006209.2, residues 188-208): GQIIVVIWVI[Val198Gly]SPNNDKQKYT

ClinVar aggregate classification (germline): Uncertain significance (1 of 4 stars; one submission).

Conditions:
Inborn genetic diseases. Identifiers: MedGen C0950123, MeSH D030342.

Submission:

Ambry Genetics
Classification: Uncertain significance for Inborn genetic diseases. Last evaluated: 2024-03-20. Review status: criteria provided, single submitter. Criteria: Ambry Variant Classification Scheme 2023. Collection method: clinical testing. Allele origin: germline.
Comment: The p.V198G variant (also known as c.593T>G), located in coding exon 3 of the PIK3CA gene, results from a T to G substitution at nucleotide position 593. The valine at codon 198 is replaced by glycine, an amino acid with dissimilar properties. This amino acid position is conserved. In addition, this alteration is predicted to be deleterious by in silico analysis. Based on the available evidence, the clinical significance of this alteration remains unclear.